The following is an entry in ClinVar:

ClinVar aggregate classification (germline): Likely pathogenic (1 of 4 stars; one submission).

Conditions:
Gastrointestinal defects and immunodeficiency syndrome 1 (GIDID1). Also called: Combined immunodeficiency-enteropathy spectrum. Identifiers: Orphanet 436252, MedGen C5968858, MONDO:0800030, OMIM 243150.

Submission:

Aleixo Muise Laboratory, Hospital For Sick Children
Classification: Likely pathogenic for Gastrointestinal defects and immunodeficiency syndrome 1. Last evaluated: 2024-07-05. Review status: criteria provided, single submitter. Criteria: ACMG Guidelines, 2015. Collection method: research. Allele origin: germline. Affected: yes. Observed: 1 variant allele.
Comment: PM2;PM3;PM5;PP3;PP4

NM_020458.4(TTC7A):c.2393C>T (p.Ala798Val)

Gene: TTC7A (tetratricopeptide repeat domain 7A; plus strand). Cytogenetic location: 2p21.
Variant type: single nucleotide variant.
Coding change: c.2393C>T on transcript NM_020458.4 (MANE Select); coding-DNA position 2393, C replaced by T.
Protein change: p.Ala798Val; replaces alanine 798 with valine.
Molecular consequence: missense variant.
Genome position (GRCh38, 1-based): chr2:47,073,739, C>T. VCF-style: chr2-47073739-C-T. GRCh37 (hg19) VCF-style: chr2-47300878-C-T.
Other names: c.2465C>T, p.Ala822Val (NM_001288951.2); c.2291C>T, p.Ala764Val (NM_001288953.2); c.1331C>T, p.Ala444Val (NM_001288955.2); short protein forms A444V, A764V, A798V, A822V.
Identifiers: ClinVar variation 3255331 (VCV003255331.1).